The following is an entry in ClinVar:

NM_007214.5(SEC63):c.340-8T>C

Gene: SEC63 (SEC63 protein translocation regulator; minus strand). Cytogenetic location: 6q21.
Variant type: single nucleotide variant.
Coding change: c.340-8T>C on transcript NM_007214.5 (MANE Select); 8 bases into the intron before coding-DNA position 340, T replaced by C.
Molecular consequence: intron variant.
Genome position (GRCh38, 1-based): chr6:107,921,917, A>G on the plus strand (T>C on the coding strand, the complement: SEC63 is on the minus strand). VCF-style: chr6-107921917-A-G. GRCh37 (hg19) VCF-style: chr6-108243121-A-G.
Identifiers: ClinVar variation 403426 (VCV000403426.21), dbSNP rs1569556, ClinGen allele CA3947745.
Genomic context (GRCh38, chr6:107,921,917, plus strand): 5'-TATTTAAGTGACAGCAAACGATATTGTTTTTTAATTTCTGCTACTGTGGCTCCCTGGGGA[A>G]AAACAAAAAAAAAAAACAAGCTTTCTGTTAGCAAAAATAAGCACAATTCTGTAAAGAAAT-3'

ClinVar aggregate classification (germline): Benign/Likely benign. Review status: criteria provided, multiple submitters, no conflicts (2 of 4 stars). 7 submissions from 7 submitters: Benign (1); Likely benign (4). 2 of the submissions do not count toward it. Last evaluated 2026-01-19.

Conditions:
Polycystic liver disease 2 (PCLD2). Also called: Polycystic liver disease 2 with or without kidney cysts. Identifiers: Orphanet 2924, MedGen C4310769, MONDO:0014860, OMIM 617004.

Allele frequency attached by ClinVar (database versions not stated): gnomAD 0.00016; ExAC 0.00047; gnomAD exomes 0.00047; 1000 Genomes Project 0.26797.
gnomAD v4.1: 215 of 389,530 alleles (0.055%); highest among the groups gnomAD compares: Non-Finnish European, 0.0074%; 2 homozygotes.

Submissions (7):

Labcorp Genetics (formerly Invitae), Labcorp
Classification: Likely benign. Last evaluated: 2026-01-19. Review status: criteria provided, single submitter. Criteria: Invitae Variant Classification Sherloc (09022015). Collection method: clinical testing. Allele origin: germline.

Fulgent Genetics
Classification: Likely benign for Polycystic liver disease 2. Last evaluated: 2021-09-14. Review status: criteria provided, single submitter. Criteria: ACMG Guidelines, 2015. Collection method: clinical testing. Allele origin: unknown.

Genome-Nilou Lab
Classification: Benign for Polycystic liver disease 2. Last evaluated: 2021-07-15. Review status: criteria provided, single submitter. Criteria: ACMG Guidelines, 2015. Collection method: clinical testing. Allele origin: germline. Affected: no.

Laboratory for Molecular Medicine, Mass General Brigham Personalized Medicine
Classification: Likely benign. Last evaluated: 2016-03-29. Review status: criteria provided, single submitter. Criteria: LMM Criteria. Collection method: clinical testing. Allele origin: germline.
Comment: Variant identified in a genome or exome case(s) and assessed due to predicted null impact of the variant or pathogenic assertions in the literature or databases. Disclaimer: This variant has not undergone full assessment. The following are preliminary notes: No change to splice consensus

Breakthrough Genomics
Classification: Likely benign. Review status: criteria provided, single submitter. Criteria: ACMG Guidelines, 2015. Collection method: not provided. Allele origin: germline. Inheritance: Autosomal dominant inheritance. Affected: yes.

Diagnostic Laboratory, Department of Genetics, University Medical Center Groningen
Classification: Benign. Review status: no assertion criteria provided. Collection method: clinical testing. Allele origin: germline. Affected: yes. Study: VKGL Data-share Consensus. Not counted in ClinVar's aggregate classification.

Joint Genome Diagnostic Labs from Nijmegen and Maastricht, Radboudumc and MUMC+
Classification: Likely benign. Review status: no assertion criteria provided. Collection method: clinical testing. Allele origin: germline. Affected: yes. Study: VKGL Data-share Consensus. Not counted in ClinVar's aggregate classification.